The following is an entry in ClinVar:

NM_004863.4(SPTLC2):c.180T>G (p.Asn60Lys)

Gene: SPTLC2 (serine palmitoyltransferase long chain base subunit 2; minus strand). Cytogenetic location: 14q24.3.
Variant type: single nucleotide variant.
Coding change: c.180T>G on transcript NM_004863.4 (MANE Select); coding-DNA position 180, T replaced by G.
Protein change: p.Asn60Lys; replaces asparagine 60 with lysine.
Molecular consequence: missense variant.
Genome position (GRCh38, 1-based): chr14:77,597,333, A>C on the plus strand (T>G on the coding strand, the complement: SPTLC2 is on the minus strand). VCF-style: chr14-77597333-A-C. GRCh37 (hg19) VCF-style: chr14-78063676-A-C.
Other names: p.Asn60Lys; c.180T>G (NM_004863.3); short protein forms N60K.
Identifiers: ClinVar variation 1423678 (VCV001423678.9), dbSNP rs769807904, ClinGen allele CA263850384.

ClinVar aggregate classification (germline): Conflicting classifications of pathogenicity. Review status: criteria provided, conflicting classifications (1 of 4 stars). 2 submissions from 2 submitters: Uncertain significance (1); Likely benign (1). Last evaluated 2025-07-09.

Conditions:
Neuropathy, hereditary sensory and autonomic, type 1C. Also called: HSAN IC; HSN IC. Identifiers: Orphanet 36386, MedGen C3150896, MONDO:0013337, OMIM 613640.

gnomAD v4.1: 18 of 1,614,234 alleles (0.0011%); highest among the groups gnomAD compares: Non-Finnish European, 0.0015%; no homozygotes.

Submissions (2):

Mayo Clinic Laboratories, Mayo Clinic
Classification: Likely benign. Last evaluated: 2025-07-09. Review status: criteria provided, single submitter. Criteria: ACMG Guidelines, 2015. Collection method: clinical testing. Allele origin: germline. Observed: 1 variant allele.
Comment: BS2, BP4_moderate

Labcorp Genetics (formerly Invitae), Labcorp
Classification: Uncertain significance for Neuropathy, hereditary sensory and autonomic, type 1C. Last evaluated: 2023-10-06. Review status: criteria provided, single submitter. Criteria: Invitae Variant Classification Sherloc (09022015). Collection method: clinical testing. Allele origin: germline.
Comment: This sequence change replaces asparagine, which is neutral and polar, with lysine, which is basic and polar, at codon 60 of the SPTLC2 protein (p.Asn60Lys). This variant is not present in population databases (gnomAD no frequency). This variant has not been reported in the literature in individuals affected with SPTLC2-related conditions. ClinVar contains an entry for this variant (Variation ID: 1423678). An algorithm developed to predict the effect of missense changes on protein structure and function (PolyPhen-2) suggests that this variant is likely to be tolerated. In summary, the available evidence is currently insufficient to determine the role of this variant in disease. Therefore, it has been classified as a Variant of Uncertain Significance.